The following is an entry in ClinVar:

NM_004064.5(CDKN1B):c.330C>G (p.Ser110Arg)

Gene: CDKN1B (cyclin dependent kinase inhibitor 1B; plus strand). Cytogenetic location: 12p13.1.
Variant type: single nucleotide variant.
Coding change: c.330C>G on transcript NM_004064.5 (MANE Select); coding-DNA position 330, C replaced by G.
Protein change: p.Ser110Arg; replaces serine 110 with arginine.
Molecular consequence: missense variant.
Genome position (GRCh38, 1-based): chr12:12,718,169, C>G. VCF-style: chr12-12718169-C-G. GRCh37 (hg19) VCF-style: chr12-12871103-C-G.
Other names: c.330C>G (NM_004064.3); short protein forms S110R.
Identifiers: ClinVar variation 969230 (VCV000969230.10), dbSNP rs1946495382, ClinGen allele CA383970251.

ClinVar aggregate classification (germline): Uncertain significance. Review status: criteria provided, multiple submitters, no conflicts (2 of 4 stars). 2 submissions from 2 submitters: Uncertain significance (2). Last evaluated 2024-09-16.

Conditions:
Multiple endocrine neoplasia type 4. Also called: MULTIPLE ENDOCRINE NEOPLASIA, TYPE IV. Identifiers: Orphanet 276152, MedGen C1970712, MONDO:0012552, OMIM 610755.
Hereditary cancer-predisposing syndrome. Also called: Hereditary neoplastic syndrome; Hereditary Cancer Syndrome; Tumor predisposition; Neoplastic Syndromes, Hereditary. Identifiers: Orphanet 140162, MedGen C0027672, MeSH D009386, MONDO:0015356.

Allele frequency attached by ClinVar (database versions not stated): TOPMed below 0.00001.

Submissions (2):

Ambry Genetics
Classification: Uncertain significance for Hereditary cancer-predisposing syndrome. Last evaluated: 2024-09-16. Review status: criteria provided, single submitter. Criteria: Ambry Variant Classification Scheme 2023. Collection method: clinical testing. Allele origin: germline.
Comment: The p.S110R variant (also known as c.330C>G), located in coding exon 1 of the CDKN1B gene, results from a C to G substitution at nucleotide position 330. The serine at codon 110 is replaced by arginine, an amino acid with dissimilar properties. This amino acid position is conserved. In addition, this alteration is predicted to be tolerated by in silico analysis. Based on the available evidence, the clinical significance of this variant remains unclear.

Labcorp Genetics (formerly Invitae), Labcorp
Classification: Uncertain significance for Multiple endocrine neoplasia type 4. Last evaluated: 2021-06-22. Review status: criteria provided, single submitter. Criteria: Invitae Variant Classification Sherloc (09022015). Collection method: clinical testing. Allele origin: germline.
Comment: This sequence change replaces serine with arginine at codon 110 of the CDKN1B protein (p.Ser110Arg). The serine residue is highly conserved and there is a moderate physicochemical difference between serine and arginine. This variant is not present in population databases (ExAC no frequency). This variant has not been reported in the literature in individuals with CDKN1B-related conditions. Algorithms developed to predict the effect of missense changes on protein structure and function are either unavailable or do not agree on the potential impact of this missense change (SIFT: "Deleterious"; PolyPhen-2: "Benign"; Align-GVGD: "Class C15"). In summary, the available evidence is currently insufficient to determine the role of this variant in disease. Therefore, it has been classified as a Variant of Uncertain Significance.